The following is an entry in ClinVar:

ClinVar aggregate classification (germline): Likely benign (1 of 4 stars; one submission).

Allele frequency attached by ClinVar (database versions not stated): 1000 Genomes Project 30x 0.00062; 1000 Genomes Project 0.00080; ExAC 0.00098; gnomAD 0.00177; TOPMed 0.00191; gnomAD exomes 0.00263.
gnomAD v4.1: 3,891 of 1,535,944 alleles (0.25%); highest among the groups gnomAD compares: Non-Finnish European, 0.31%; 10 homozygotes.

Submission:

CeGaT Center for Human Genetics Tuebingen
Classification: Likely benign. Last evaluated: 2022-03-01. Review status: criteria provided, single submitter. Criteria: CeGaT Center For Human Genetics Tuebingen Variant Classification Criteria Version 2. Collection method: clinical testing. Allele origin: germline. Affected: yes. Observed: 1 variant allele.
Comment: PP2D1: BP4, BP7

NM_001252657.2(PP2D1):c.1191T>C (p.Asn397=)

Gene: PP2D1 (protein phosphatase 2C like domain containing 1; minus strand). Cytogenetic location: 3p24.3.
Variant type: single nucleotide variant.
Coding change: c.1191T>C on transcript NM_001252657.2 (MANE Select); coding-DNA position 1191, T replaced by C.
Protein change: p.Asn397=; no amino-acid change (asparagine 397 retained).
Molecular consequence: synonymous variant.
Genome position (GRCh38, 1-based): chr3:19,986,082, A>G on the plus strand (T>C on the coding strand, the complement: PP2D1 is on the minus strand). VCF-style: chr3-19986082-A-G. GRCh37 (hg19) VCF-style: chr3-20027574-A-G.
Identifiers: ClinVar variation 2653624 (VCV002653624.24), dbSNP rs143704277, ClinGen allele CA2284196.
Genomic context (GRCh38, chr3:19,986,082, plus strand): 5'-TGTAGTTTTTACTTGCCCCTCTACAAGCCCGTATGGTTCATTTGAACTAATGACTGCTCC[A>G]TTCTGAAGTATTCTTCTTCTTTCATTTGTGTTTCGTGTAGTATGTTCTTTGGTTAGGCAA-3'
Protein context (NP_001239586.1, residues 387-407): NTNERRRILQ[Asn397=]GAVISSNEPY